The following is an entry in ClinVar:

ClinVar aggregate classification (germline): Uncertain significance (1 of 4 stars; one submission).

Allele frequency attached by ClinVar (database versions not stated): TOPMed below 0.00001; gnomAD 0.00001; ExAC 0.00002; gnomAD exomes 0.00003; ESP Exome Variant Server 0.00008.
gnomAD v4.1: 51 of 1,613,132 alleles (0.0032%); highest among the groups gnomAD compares: Non-Finnish European, 0.004%; no homozygotes.

Submission:

Labcorp Genetics (formerly Invitae), Labcorp
Classification: Uncertain significance. Last evaluated: 2022-05-21. Review status: criteria provided, single submitter. Criteria: Invitae Variant Classification Sherloc (09022015). Collection method: clinical testing. Allele origin: germline.
Comment: This sequence change replaces proline, which is neutral and non-polar, with serine, which is neutral and polar, at codon 153 of the CAD protein (p.Pro153Ser). This variant is present in population databases (rs372965533, gnomAD 0.008%). This variant has not been reported in the literature in individuals affected with CAD-related conditions. Algorithms developed to predict the effect of missense changes on protein structure and function are either unavailable or do not agree on the potential impact of this missense change (SIFT: "Tolerated"; PolyPhen-2: "Probably Damaging"; Align-GVGD: "Class C0"). In summary, the available evidence is currently insufficient to determine the role of this variant in disease. Therefore, it has been classified as a Variant of Uncertain Significance.

NM_004341.5(CAD):c.457C>T (p.Pro153Ser)

Gene: CAD (carbamoyl-phosphate synthetase 2, aspartate transcarbamylase, and dihydroorotase; plus strand). Cytogenetic location: 2p23.3.
Variant type: single nucleotide variant.
Coding change: c.457C>T on transcript NM_004341.5 (MANE Select); coding-DNA position 457, C replaced by T.
Protein change: p.Pro153Ser; replaces proline 153 with serine.
Molecular consequence: missense variant.
Genome position (GRCh38, 1-based): chr2:27,222,298, C>T. VCF-style: chr2-27222298-C-T. GRCh37 (hg19) VCF-style: chr2-27445166-C-T.
Other names: c.457C>T, p.Pro153Ser (NM_001306079.2); short protein forms P153S.
Identifiers: ClinVar variation 1944562 (VCV001944562.2), dbSNP rs372965533, ClinGen allele CA1572417.